The following is an entry in ClinVar:

ClinVar aggregate classification (germline): Benign. Review status: criteria provided, single submitter (1 of 4 stars). 2 submissions from 2 submitters: Benign (1). 1 of the submissions does not count toward it. Last evaluated 2025-12-24.

Conditions:
ALDH1A3-related disorder. Also called: ALDH1A3-related condition.
Isolated microphthalmia 8. Identifiers: Orphanet 2542, MedGen C3554524, MONDO:0014050, OMIM 615113.

Allele frequency attached by ClinVar (database versions not stated): gnomAD 0.00057; TOPMed 0.00140; 1000 Genomes Project 30x 0.00265; 1000 Genomes Project 0.00280.
gnomAD v4.1: 673 of 1,614,092 alleles (0.042%); highest among the groups gnomAD compares: East Asian, 1.4%; 7 homozygotes.

Submissions (2):

Labcorp Genetics (formerly Invitae), Labcorp
Classification: Benign for Isolated microphthalmia 8. Last evaluated: 2025-12-24. Review status: criteria provided, single submitter. Criteria: Invitae Variant Classification Sherloc (09022015). Collection method: clinical testing. Allele origin: germline.

PreventionGenetics, part of Exact Sciences
Classification: Benign for ALDH1A3-related condition. Last evaluated: 2019-08-09. Review status: no assertion criteria provided. Collection method: clinical testing. Allele origin: germline. Not counted in ClinVar's aggregate classification.
Comment: This variant is classified as benign based on ACMG/AMP sequence variant interpretation guidelines (Richards et al. 2015 PMID: 25741868, with internal and published modifications).

NM_000693.4(ALDH1A3):c.1107C>A (p.Ile369=)

Genes: ALDH1A3 (aldehyde dehydrogenase 1 family member A3; plus strand), ALDH1A3-AS1 (ALDH1A3 antisense RNA 1; minus strand). Cytogenetic location: 15q26.3.
Variant type: single nucleotide variant.
Coding change: c.1107C>A on transcript NM_000693.4 (MANE Select); coding-DNA position 1107, C replaced by A.
Protein change: p.Ile369=; no amino-acid change (isoleucine 369 retained).
Molecular consequence: synonymous variant.
Genome position (GRCh38, 1-based): chr15:100,905,561, C>A. VCF-style: chr15-100905561-C-A. GRCh37 (hg19) VCF-style: chr15-101445766-C-A.
Other names: c.786C>A, p.Ile262= (NM_001293815.2).
Identifiers: ClinVar variation 707373 (VCV000707373.8), dbSNP rs3803431, ClinGen allele CA7760292.